The following is an entry in ClinVar:

ClinVar aggregate classification (germline): Uncertain significance (1 of 4 stars; one submission).

Conditions:
Oligodontia-cancer predisposition syndrome. Also called: TOOTH AGENESIS-COLORECTAL CANCER SYNDROME. Identifiers: Orphanet 300576, MedGen C1837750, MONDO:0012075, OMIM 608615. Disease mechanism: loss of function.

Submission:

Labcorp Genetics (formerly Invitae), Labcorp
Classification: Uncertain significance for Oligodontia-cancer predisposition syndrome. Last evaluated: 2017-06-06. Review status: criteria provided, single submitter. Criteria: Invitae Variant Classification Sherloc (09022015). Collection method: clinical testing. Allele origin: germline.
Comment: This sequence change replaces histidine with glutamine at codon 442 of the AXIN2 protein (p.His442Gln). The histidine residue is highly conserved and there is a small physicochemical difference between histidine and glutamine. This variant is not present in population databases (ExAC no frequency). This variant has not been reported in the literature in individuals with an AXIN2-related disease. Algorithms developed to predict the effect of missense changes on protein structure and function do not agree on the potential impact of this missense change (SIFT: "Deleterious"; PolyPhen-2: "Probably Damaging"; Align-GVGD: "Class C15"). In summary, this variant has uncertain impact on AXIN2 function. The available evidence is currently insufficient to determine its role in disease. Therefore, it has been classified as a Variant of Uncertain Significance.

NM_004655.4(AXIN2):c.1326C>A (p.His442Gln)

Gene: AXIN2 (axin 2; minus strand). Cytogenetic location: 17q24.1.
Variant type: single nucleotide variant.
Coding change: c.1326C>A on transcript NM_004655.4 (MANE Select); coding-DNA position 1326, C replaced by A.
Protein change: p.His442Gln; replaces histidine 442 with glutamine.
Molecular consequence: missense variant.
Genome position (GRCh38, 1-based): chr17:65,537,710, G>T on the plus strand (C>A on the coding strand, the complement: AXIN2 is on the minus strand). VCF-style: chr17-65537710-G-T. GRCh37 (hg19) VCF-style: chr17-63533828-G-T.
Other names: c.1326C>A (LRG_296t1); c.1326C>A, p.His442Gln (NM_001363813.1); short protein forms H442Q.
Identifiers: ClinVar variation 464538 (VCV000464538.8), dbSNP rs1555577987, ClinGen allele CA400677722.